The following is an entry in ClinVar:

ClinVar aggregate classification (germline): Uncertain significance (1 of 4 stars; one submission).

Conditions:
Hypercholesterolemia, familial, 4 (FHCL4). Also called: HYPERCHOLESTEROLEMIA, AUTOSOMAL RECESSIVE, 1; HYPERCHOLESTEROLEMIA, AUTOSOMAL RECESSIVE, 2. Identifiers: Orphanet 391665, MedGen C1863512, MONDO:0011374, OMIM 603813.

Submission:

Labcorp Genetics (formerly Invitae), Labcorp
Classification: Uncertain significance for Hypercholesterolemia, familial, 4. Last evaluated: 2025-12-13. Review status: criteria provided, single submitter. Criteria: Invitae Variant Classification Sherloc (09022015). Collection method: clinical testing. Allele origin: germline.
Comment: This sequence change replaces lysine, which is basic and polar, with glutamic acid, which is acidic and polar, at codon 19 of the LDLRAP1 protein (p.Lys19Glu). This variant is not present in population databases (gnomAD no frequency). This variant has not been reported in the literature in individuals affected with LDLRAP1-related conditions. An algorithm developed to predict the effect of missense changes on protein structure and function (PolyPhen-2) suggests that this variant is likely to be tolerated. In summary, the available evidence is currently insufficient to determine the role of this variant in disease. Therefore, it has been classified as a Variant of Uncertain Significance.

NM_015627.3(LDLRAP1):c.55A>G (p.Lys19Glu)

Genes: LDLRAP1 (low density lipoprotein receptor adaptor protein 1; plus strand), LOC129929773 (ATAC-STARR-seq lymphoblastoid silent region 456; plus strand). Cytogenetic location: 1p36.11.
Variant type: single nucleotide variant.
Coding change: c.55A>G on transcript NM_015627.3 (MANE Select); coding-DNA position 55, A replaced by G.
Protein change: p.Lys19Glu; replaces lysine 19 with glutamic acid.
Molecular consequence: missense variant.
Genome position (GRCh38, 1-based): chr1:25,543,753, A>G. VCF-style: chr1-25543753-A-G. GRCh37 (hg19) VCF-style: chr1-25870244-A-G.
Other names: short protein forms K19E.
Identifiers: ClinVar variation 4733150 (VCV004733150.1).
Genomic context (GRCh38, chr1:25,543,753, plus strand): 5'-CGGGCCATGGACGCGCTCAAGTCGGCGGGGCGGGCGCTGATCCGGAGCCCCAGCTTGGCC[A>G]AGCAGAGCTGGGGGGGCGGTGGCCGGCACCGCAGTGAGTGTGCGCGCGTCAGCCGGGCCG-3'
Protein context (NP_056442.2, residues 9-29): RALIRSPSLA[Lys19Glu]QSWGGGGRHR